The following is an entry in ClinVar:

NM_000718.4(CACNA1B):c.1514A>G (p.Asn505Ser)

Gene: CACNA1B (calcium voltage-gated channel subunit alpha1 B; plus strand). Cytogenetic location: 9q34.3.
Variant type: single nucleotide variant.
Coding change: c.1514A>G on transcript NM_000718.4 (MANE Select); coding-DNA position 1514, A replaced by G.
Protein change: p.Asn505Ser; replaces asparagine 505 with serine.
Molecular consequence: missense variant.
Genome position (GRCh38, 1-based): chr9:137,971,563, A>G. VCF-style: chr9-137971563-A-G. GRCh37 (hg19) VCF-style: chr9-140866015-A-G.
Other names: c.1514A>G, p.Asn505Ser (NM_001243812.2); short protein forms N505S.
Identifiers: ClinVar variation 3252518 (VCV003252518.1), dbSNP rs1378445380.

ClinVar aggregate classification (germline): Uncertain significance (1 of 4 stars; one submission).

Allele frequency attached by ClinVar (database versions not stated): gnomAD exomes below 0.00001; TOPMed 0.00002.
gnomAD v4.1: 1 of 1,613,468 alleles (0.000062%); highest among the groups gnomAD compares: Non-Finnish European, 0.000085%; no homozygotes.

Submission:

GeneDx
Classification: Uncertain significance. Last evaluated: 2023-12-13. Review status: criteria provided, single submitter. Criteria: GeneDx Variant Classification Process June 2021. Collection method: clinical testing. Allele origin: germline. Affected: yes.
Comment: Not observed at significant frequency in large population cohorts (gnomAD); In silico analysis supports that this missense variant has a deleterious effect on protein structure/function; Has not been previously published as pathogenic or benign to our knowledge; Variants in candidate genes are classified as variants of uncertain significance in accordance with ACMG guidelines (PMID: 25741868)